The following is an entry in ClinVar:

ClinVar aggregate classification (germline): Uncertain significance (1 of 4 stars; one submission).

Allele frequency attached by ClinVar (database versions not stated): gnomAD 0.00284; 1000 Genomes Project 0.00319; 1000 Genomes Project 30x 0.00328; ESP Exome Variant Server 0.00369.

Submission:

Ambry Genetics
Classification: Uncertain significance. Last evaluated: 2024-09-12. Review status: criteria provided, single submitter. Criteria: Ambry Variant Classification Scheme 2023. Collection method: clinical testing. Allele origin: germline.
Comment: The p.I1353V variant (also known as c.4057A>G), located in coding exon 16 of the POLQ gene, results from an A to G substitution at nucleotide position 4057. The isoleucine at codon 1353 is replaced by valine, an amino acid with highly similar properties. This amino acid position is conserved. In addition, this alteration is predicted to be tolerated by in silico analysis. Since supporting evidence is limited at this time, the clinical significance of this alteration remains unclear.

NM_199420.4(POLQ):c.4057A>G (p.Ile1353Val)

Gene: POLQ (DNA polymerase theta; minus strand). Cytogenetic location: 3q13.33.
Variant type: single nucleotide variant.
Coding change: c.4057A>G on transcript NM_199420.4 (MANE Select); coding-DNA position 4057, A replaced by G.
Protein change: p.Ile1353Val; replaces isoleucine 1353 with valine.
Molecular consequence: missense variant.
Genome position (GRCh38, 1-based): chr3:121,488,874, T>C on the plus strand (A>G on the coding strand, the complement: POLQ is on the minus strand). VCF-style: chr3-121488874-T-C. GRCh37 (hg19) VCF-style: chr3-121207721-T-C.
Other names: short protein forms I1353V.
Identifiers: ClinVar variation 1737418 (VCV001737418.3), dbSNP rs3218631, ClinGen allele CA2562964.